The following is an entry in ClinVar:

ClinVar aggregate classification (germline): Uncertain significance (1 of 4 stars; one submission).

Submission:

Labcorp Genetics (formerly Invitae), Labcorp
Classification: Uncertain significance. Last evaluated: 2022-03-15. Review status: criteria provided, single submitter. Criteria: Invitae Variant Classification Sherloc (09022015). Collection method: clinical testing. Allele origin: germline.
Comment: This variant is not present in population databases (gnomAD no frequency). This variant, c.262_264del, results in the deletion of 1 amino acid(s) of the GNPTG protein (p.Asn88del), but otherwise preserves the integrity of the reading frame. This variant has not been reported in the literature in individuals affected with GNPTG-related conditions. Algorithms developed to predict the effect of sequence changes on RNA splicing suggest that this variant may create or strengthen a splice site. In summary, the available evidence is currently insufficient to determine the role of this variant in disease. Therefore, it has been classified as a Variant of Uncertain Significance.

NM_032520.5(GNPTG):c.262_264del (p.Asn88del)

Gene: GNPTG (N-acetylglucosamine-1-phosphate transferase subunit gamma; plus strand). Cytogenetic location: 16p13.3.
Variant type: Deletion.
Coding change: c.262_264del on transcript NM_032520.5 (MANE Select); coding-DNA positions 262 to 264, 3 bases deleted (AAC; older notation c.262_264delAAC).
Protein change: p.Asn88del; deletes asparagine 88.
Molecular consequence: inframe deletion.
Genome position (GRCh38, 1-based): chr16:1,361,900-1,361,902, AAC deleted; deleting any 3 consecutive bases within chr16:1,361,898-1,361,902 gives the same sequence; the c. name uses the placement nearest the transcript's 3' end. VCF-style (leftmost placement, unchanged base first): chr16-1361897-CACA-C. GRCh37 (hg19) VCF-style: chr16-1411898-CACA-C.
Other names: short protein forms N88del.
Identifiers: ClinVar variation 2193052 (VCV002193052.4), dbSNP rs2548189556, ClinGen allele CA2580090502.